The following is an entry in ClinVar:

ClinVar aggregate classification (germline): Uncertain significance (1 of 4 stars; one submission).

gnomAD v4.1: 18 of 1,613,708 alleles (0.0011%); highest among the groups gnomAD compares: Middle Eastern, 0.017%; no homozygotes.

Submission:

Labcorp Genetics (formerly Invitae), Labcorp
Classification: Uncertain significance. Last evaluated: 2025-06-15. Review status: criteria provided, single submitter. Criteria: Invitae Variant Classification Sherloc (09022015). Collection method: clinical testing. Allele origin: germline.
Comment: This sequence change replaces alanine, which is neutral and non-polar, with threonine, which is neutral and polar, at codon 480 of the PPP2R5C protein (p.Ala480Thr). This variant is present in population databases (no rsID available, gnomAD 0.003%). This variant has not been reported in the literature in individuals affected with PPP2R5C-related conditions. An algorithm developed to predict the effect of missense changes on protein structure and function (PolyPhen-2) suggests that this variant is likely to be tolerated. In summary, the available evidence is currently insufficient to determine the role of this variant in disease. Therefore, it has been classified as a Variant of Uncertain Significance.

NM_001352913.2(PPP2R5C):c.1510G>A (p.Ala504Thr)

Gene: PPP2R5C (protein phosphatase 2 regulatory subunit B'gamma; plus strand). Cytogenetic location: 14q32.31.
Variant type: single nucleotide variant.
Coding change: c.1510G>A on transcript NM_001352913.2 (MANE Select); coding-DNA position 1510, G replaced by A.
Protein change: p.Ala504Thr; replaces alanine 504 with threonine.
Molecular consequence: missense variant. On other transcripts: intron variant (5).
Genome position (GRCh38, 1-based): chr14:101,917,849, G>A. VCF-style: chr14-101917849-G-A. GRCh37 (hg19) VCF-style: chr14-102384186-G-A.
Other names: c.1438G>A, p.Ala480Thr (NM_001161725.2); c.1120G>A, p.Ala374Thr (NM_001352915.2); c.1345G>A, p.Ala449Thr (NM_002719.4); c.1506+5376G>A (NM_001352914.2); c.1491+5376G>A (NM_001161726.2); c.1326+5376G>A (NM_001352912.1, NM_178586.3); c.1101+5376G>A (NM_001352916.2); short protein forms A480T, A449T, A374T, A504T.
Identifiers: ClinVar variation 4708924 (VCV004708924.1).